The following is an entry in ClinVar:

NM_000465.4(BARD1):c.2014T>A (p.Phe672Ile)

Gene: BARD1 (BRCA1 associated RING domain 1; minus strand). Cytogenetic location: 2q35.
Variant type: single nucleotide variant.
Coding change: c.2014T>A on transcript NM_000465.4 (MANE Select); coding-DNA position 2014, T replaced by A.
Protein change: p.Phe672Ile; replaces phenylalanine 672 with isoleucine.
Molecular consequence: missense variant. On other transcripts: non-coding transcript variant (3).
Genome position (GRCh38, 1-based): chr2:214,728,996, A>T on the plus strand (T>A on the coding strand, the complement: BARD1 is on the minus strand). VCF-style: chr2-214728996-A-T. GRCh37 (hg19) VCF-style: chr2-215593720-A-T.
Other names: c.1957T>A, p.Phe653Ile (NM_001282543.2); c.661T>A, p.Phe221Ile (NM_001282545.2); c.604T>A, p.Phe202Ile (NM_001282548.2); c.475T>A, p.Phe159Ile (NM_001282549.2); short protein forms F159I, F202I, F672I, F221I, F653I.
Identifiers: ClinVar variation 2815163 (VCV002815163.3), dbSNP rs2469271361, ClinGen allele CA350450807.

ClinVar aggregate classification (germline): Uncertain significance (1 of 4 stars; one submission).

Conditions:
Familial cancer of breast. Also called: BREAST CANCER, FAMILIAL; hereditary breast carcinoma; Hereditary breast cancer. Identifiers: Orphanet 227535, MedGen C0346153, MONDO:0016419, OMIM 114480. Disease mechanism: loss of function.

Submission:

Labcorp Genetics (formerly Invitae), Labcorp
Classification: Uncertain significance for Familial cancer of breast. Last evaluated: 2024-05-07. Review status: criteria provided, single submitter. Criteria: Invitae Variant Classification Sherloc (09022015). Collection method: clinical testing. Allele origin: germline.
Comment: This sequence change replaces phenylalanine, which is neutral and non-polar, with isoleucine, which is neutral and non-polar, at codon 672 of the BARD1 protein (p.Phe672Ile). This variant is not present in population databases (gnomAD no frequency). This variant has not been reported in the literature in individuals affected with BARD1-related conditions. An algorithm developed to predict the effect of missense changes on protein structure and function (PolyPhen-2) suggests that this variant is likely to be disruptive. In summary, the available evidence is currently insufficient to determine the role of this variant in disease. Therefore, it has been classified as a Variant of Uncertain Significance.